The following is an entry in ClinVar:

ClinVar aggregate classification (germline): Likely benign. Review status: criteria provided, multiple submitters, no conflicts (2 of 4 stars). 3 submissions from 3 submitters: Likely benign (2). 1 of the submissions does not count toward it. Last evaluated 2024-01-23.

Conditions:
INPP5E-related disorder. Also called: INPP5E-related condition.
MORM syndrome (MORMS). Identifiers: Orphanet 75858, MedGen C1857802, MONDO:0012423, OMIM 610156.
Joubert syndrome 1 (JBTS1). Also called: Cerebellooculorenal syndrome 1; CEREBELLOPARENCHYMAL DISORDER IV. Identifiers: MedGen C4551568, MONDO:0008944, OMIM 213300.
Joubert syndrome. Also called: JOUBERT-BOLTSHAUSER SYNDROME; Familial aplasia of the vermis. Identifiers: Orphanet 475, MedGen C5979921, MONDO:0018772.

Allele frequency attached by ClinVar (database versions not stated): gnomAD exomes 0.00001 and 0.00005; TOPMed 0.00002; gnomAD 0.00003 and 0.00004.
gnomAD v4.1: 68 of 1,552,044 alleles (0.0044%); highest among the groups gnomAD compares: Non-Finnish European, 0.0058%; no homozygotes.

Submissions (3):

Fulgent Genetics
Classification: Likely benign for Joubert syndrome 1; MORM syndrome. Last evaluated: 2024-01-23. Review status: criteria provided, single submitter. Criteria: ACMG Guidelines, 2015. Collection method: clinical testing. Allele origin: germline.

Labcorp Genetics (formerly Invitae), Labcorp
Classification: Likely benign for Joubert syndrome. Last evaluated: 2022-02-28. Review status: criteria provided, single submitter. Criteria: Invitae Variant Classification Sherloc (09022015). Collection method: clinical testing. Allele origin: germline.

PreventionGenetics, part of Exact Sciences
Classification: Likely benign for INPP5E-related condition. Last evaluated: 2022-08-07. Review status: no assertion criteria provided. Collection method: clinical testing. Allele origin: germline. Not counted in ClinVar's aggregate classification.
Comment: This variant is classified as likely benign based on ACMG/AMP sequence variant interpretation guidelines (Richards et al. 2015 PMID: 25741868, with internal and published modifications).

NM_019892.6(INPP5E):c.1758T>C (p.Pro586=)

Gene: INPP5E (inositol polyphosphate-5-phosphatase E; minus strand). Cytogenetic location: 9q34.3.
Variant type: single nucleotide variant.
Coding change: c.1758T>C on transcript NM_019892.6 (MANE Select); coding-DNA position 1758, T replaced by C.
Protein change: p.Pro586=; no amino-acid change (proline 586 retained).
Molecular consequence: synonymous variant.
Genome position (GRCh38, 1-based): chr9:136,430,321, A>G on the plus strand (T>C on the coding strand, the complement: INPP5E is on the minus strand). VCF-style: chr9-136430321-A-G. GRCh37 (hg19) VCF-style: chr9-139324773-A-G.
Other names: c.1758T>C (NM_019892.5); c.1755T>C, p.Pro585= (NM_001318502.2).
Identifiers: ClinVar variation 1125526 (VCV001125526.12), dbSNP rs1222127887, ClinGen allele CA467720055.